The following is an entry in ClinVar:

ClinVar aggregate classification (germline): Uncertain significance (1 of 4 stars; one submission).

Conditions:
Cardiovascular phenotype. Identifiers: MedGen CN230736.

Submission:

Ambry Genetics
Classification: Uncertain significance for Cardiovascular phenotype. Last evaluated: 2025-07-11. Review status: criteria provided, single submitter. Criteria: Ambry Variant Classification Scheme 2023. Collection method: clinical testing. Allele origin: germline.
Comment: The c.211_213delGATinsTAC variant (also known as p.D71Y), located in coding exon 2 of the JUP gene, results from an in-frame deletion of GAT and insertion of TAC at nucleotide positions 211 to 213. This results in the substitution of the aspartic acid residue for a tyrosine residue at codon 71, an amino acid with highly dissimilar properties. Based on data from gnomAD, this allele has an overall frequency of 0.001% (3/235846) total alleles studied. The highest observed frequency was 0.003% (3/106202) of non-Finnish European alleles. This amino acid position is well conserved in available vertebrate species. In addition, this alteration is predicted to be deleterious by in silico analysis. Since supporting evidence is limited at this time, the clinical significance of this alteration remains unclear.

NM_002230.4(JUP):c.211_213delinsTAC (p.Asp71Tyr)

Gene: JUP (junction plakoglobin; minus strand). Cytogenetic location: 17q21.2.
Variant type: Indel.
Coding change: c.211_213delinsTAC on transcript NM_002230.4 (MANE Select); coding-DNA positions 211 to 213, GAT replaced by TAC.
Protein change: p.Asp71Tyr; replaces aspartic acid 71 with tyrosine.
Molecular consequence: missense variant.
Genome position (GRCh38, 1-based): chr17:41,769,673-41,769,675, ATC replaced by GTA on the plus strand (GAT replaced by TAC on the coding strand, the reverse complement: JUP is on the minus strand). VCF-style: chr17-41769673-ATC-GTA. GRCh37 (hg19) VCF-style: chr17-39925925-ATC-GTA.
Other names: c.211_213delinsTAC, p.Asp71Tyr (NM_001352773.2, NM_001352774.2, NM_001352775.2 and 3 more transcripts); short protein forms D71Y.
Identifiers: ClinVar variation 1786091 (VCV001786091.3), dbSNP rs2544194811, ClinGen allele CA2580093935.